The following is an entry in ClinVar:

NM_014112.5(TRPS1):c.1676T>C (p.Leu559Pro)

Gene: TRPS1 (transcriptional repressor GATA binding 1; minus strand). Cytogenetic location: 8q23.3.
Variant type: single nucleotide variant.
Coding change: c.1676T>C on transcript NM_014112.5 (MANE Select); coding-DNA position 1676, T replaced by C.
Protein change: p.Leu559Pro; replaces leucine 559 with proline.
Molecular consequence: missense variant.
Genome position (GRCh38, 1-based): chr8:115,604,293, A>G on the plus strand (T>C on the coding strand, the complement: TRPS1 is on the minus strand). VCF-style: chr8-115604293-A-G. GRCh37 (hg19) VCF-style: chr8-116616520-A-G.
Other names: c.1649T>C, p.Leu550Pro (NM_001282902.3); c.1655T>C, p.Leu552Pro (NM_001282903.3); c.1637T>C, p.Leu546Pro (NM_001330599.2); short protein forms L546P, L550P, L552P, L559P.
Identifiers: ClinVar variation 1311841 (VCV001311841.3), dbSNP rs1817978932, ClinGen allele CA372066870.
Genomic context (GRCh38, chr8:115,604,293, plus strand): 5'-AATGGACAGTGTTTAATGGTACACTTGTGAATGTTATGGAGCTGTTGATAATGACGGAGA[A>G]GTGGCCCCACTACAATTACATCAGGGCCATGGCTTTTGGAATATCGGAAGTCACAGAACT-3'
Protein context (NP_054831.2, residues 549-569): HGPDVIVVGP[Leu559Pro]LRHYQQLHNI

ClinVar aggregate classification (germline): Uncertain significance. Review status: criteria provided, multiple submitters, no conflicts (2 of 4 stars). 2 submissions from 2 submitters: Uncertain significance (2). Last evaluated 2025-03-11.

Conditions:
Inborn genetic diseases. Identifiers: MedGen C0950123, MeSH D030342.

Allele frequency attached by ClinVar (database versions not stated): gnomAD exomes below 0.00001; TOPMed below 0.00001; gnomAD 0.00001.

Submissions (2):

Ambry Genetics
Classification: Uncertain significance for Inborn genetic diseases. Last evaluated: 2025-03-11. Review status: criteria provided, single submitter. Criteria: Ambry Variant Classification Scheme 2023. Collection method: clinical testing. Allele origin: germline.

GeneDx
Classification: Uncertain significance. Last evaluated: 2019-12-31. Review status: criteria provided, single submitter. Criteria: GeneDx Variant Classification Process June 2021. Collection method: clinical testing. Allele origin: germline. Affected: yes.
Comment: Not observed in large population cohorts (Lek et al., 2016); In silico analysis, which includes protein predictors and evolutionary conservation, supports a deleterious effect; Has not been previously published as pathogenic or benign to our knowledge